The following is an entry in ClinVar:

NM_000078.3(CETP):c.715G>A (p.Val239Ile)

Gene: CETP (cholesteryl ester transfer protein; plus strand). Cytogenetic location: 16q13.
Variant type: single nucleotide variant.
Coding change: c.715G>A on transcript NM_000078.3 (MANE Select); coding-DNA position 715, G replaced by A.
Protein change: p.Val239Ile; replaces valine 239 with isoleucine.
Molecular consequence: missense variant.
Genome position (GRCh38, 1-based): chr16:56,972,048, G>A. VCF-style: chr16-56972048-G-A. GRCh37 (hg19) VCF-style: chr16-57005960-G-A.
Other names: c.715G>A, p.Val239Ile (NM_001286085.2); c.715G>A (NM_000078.2); short protein forms V239I.
Identifiers: ClinVar variation 2977922 (VCV002977922.4), dbSNP rs767196975, ClinGen allele CA8071064.

ClinVar aggregate classification (germline): Conflicting classifications of pathogenicity. Review status: criteria provided, conflicting classifications (1 of 4 stars). 2 submissions from 2 submitters: Uncertain significance (1); Likely benign (1). Last evaluated 2025-11-08.

Allele frequency attached by ClinVar (database versions not stated): gnomAD 0.00003; ExAC 0.00002; TOPMed 0.00001; gnomAD exomes 0.00002.
gnomAD v4.1: 42 of 1,613,980 alleles (0.0026%); highest among the groups gnomAD compares: Middle Eastern, 0.016%; no homozygotes.

Submissions (2):

Ambry Genetics
Classification: Likely benign. Last evaluated: 2025-11-08. Review status: criteria provided, single submitter. Criteria: Ambry Variant Classification Scheme 2023. Collection method: clinical testing. Allele origin: germline.

Labcorp Genetics (formerly Invitae), Labcorp
Classification: Uncertain significance. Last evaluated: 2025-10-10. Review status: criteria provided, single submitter. Criteria: Invitae Variant Classification Sherloc (09022015). Collection method: clinical testing. Allele origin: germline.
Comment: This sequence change replaces valine, which is neutral and non-polar, with isoleucine, which is neutral and non-polar, at codon 239 of the CETP protein (p.Val239Ile). This variant is present in population databases (rs767196975, gnomAD 0.01%). This variant has not been reported in the literature in individuals affected with CETP-related conditions. ClinVar contains an entry for this variant (Variation ID: 2977922). Invitae Evidence Modeling of protein sequence and biophysical properties (such as structural, functional, and spatial information, amino acid conservation, physicochemical variation, residue mobility, and thermodynamic stability) indicates that this missense variant is not expected to disrupt CETP protein function with a negative predictive value of 80%. In summary, the available evidence is currently insufficient to determine the role of this variant in disease. Therefore, it has been classified as a Variant of Uncertain Significance.